The following is an entry in ClinVar:

NM_178172.6(GPIHBP1):c.49C>T (p.Pro17Ser)

Gene: GPIHBP1 (glycosylphosphatidylinositol anchored high density lipoprotein binding protein 1; plus strand). Cytogenetic location: 8q24.3.
Variant type: single nucleotide variant.
Coding change: c.49C>T on transcript NM_178172.6 (MANE Select); coding-DNA position 49, C replaced by T.
Protein change: p.Pro17Ser; replaces proline 17 with serine.
Molecular consequence: missense variant.
Genome position (GRCh38, 1-based): chr8:143,213,316, C>T. VCF-style: chr8-143213316-C-T. GRCh37 (hg19) VCF-style: chr8-144295191-C-T.
Other names: c.49C>T, p.Pro17Ser (NM_001301772.2); short protein forms P17S.
Identifiers: ClinVar variation 5022494 (VCV005022494.1).

ClinVar aggregate classification (germline): Uncertain significance (1 of 4 stars; one submission).

Conditions:
Cardiovascular phenotype. Identifiers: MedGen CN230736.

gnomAD v4.1: 1 of 1,594,220 alleles (0.000063%); highest among the groups gnomAD compares: Non-Finnish European, 0.000085%; no homozygotes.

Submission:

Ambry Genetics
Classification: Uncertain significance for Cardiovascular phenotype. Last evaluated: 2026-07-11. Review status: criteria provided, single submitter. Criteria: Ambry Variant Classification Scheme 2023. Collection method: clinical testing. Allele origin: germline.
Comment: The p.P17S variant (also known as c.49C>T), located in coding exon 1 of the GPIHBP1 gene, results from a C to T substitution at nucleotide position 49. The proline at codon 17 is replaced by serine, an amino acid with similar properties. This amino acid position is conserved. In addition, this alteration is predicted to be tolerated by in silico analysis. Based on the available evidence, the clinical significance of this variant remains unclear.